The following is an entry in ClinVar:

ClinVar aggregate classification (germline): Uncertain significance (1 of 4 stars; one submission).

Submission:

Ambry Genetics
Classification: Uncertain significance. Last evaluated: 2022-07-19. Review status: criteria provided, single submitter. Criteria: Ambry Variant Classification Scheme 2023. Collection method: clinical testing. Allele origin: germline.
Comment: The p.L356F variant (also known as c.1068A>C), located in coding exon 3 of the ALPK2 gene, results from an A to C substitution at nucleotide position 1068. The leucine at codon 356 is replaced by phenylalanine, an amino acid with highly similar properties. This amino acid position is conserved. In addition, this alteration is predicted to be tolerated by in silico analysis. Since supporting evidence is limited at this time, the clinical significance of this alteration remains unclear.

NM_052947.4(ALPK2):c.1068A>C (p.Leu356Phe)

Genes: ALPK2 (alpha kinase 2; minus strand), LOC114803473 (ALPK2 eExon liver enhancer; plus strand). Cytogenetic location: 18q21.31.
Variant type: single nucleotide variant.
Coding change: c.1068A>C on transcript NM_052947.4 (MANE Select); coding-DNA position 1068, A replaced by C.
Protein change: p.Leu356Phe; replaces leucine 356 with phenylalanine.
Molecular consequence: missense variant.
Genome position (GRCh38, 1-based): chr18:58,579,708, T>G on the plus strand (A>C on the coding strand, the complement: ALPK2 is on the minus strand). VCF-style: chr18-58579708-T-G. GRCh37 (hg19) VCF-style: chr18-56246940-T-G.
Other names: short protein forms L356F.
Identifiers: ClinVar variation 1782361 (VCV001782361.2), dbSNP rs2518899503, ClinGen allele CA402564865.